The following is an entry in ClinVar:

ClinVar aggregate classification (germline): Conflicting classifications of pathogenicity. Review status: criteria provided, conflicting classifications (1 of 4 stars). 2 submissions from 2 submitters: Uncertain significance (1); Likely benign (1). Last evaluated 2023-03-03.

Conditions:
Hereditary cancer-predisposing syndrome. Also called: Tumor predisposition; Neoplastic Syndromes, Hereditary; Hereditary Cancer Syndrome; Hereditary neoplastic syndrome. Identifiers: Orphanet 140162, MedGen C0027672, MeSH D009386, MONDO:0015356.
Tuberous sclerosis 1 (TSC1). Identifiers: Orphanet 805, MedGen C1854465, MONDO:0008612, OMIM 191100.

Submissions (2):

Ambry Genetics
Classification: Likely benign for Hereditary cancer-predisposing syndrome. Last evaluated: 2023-03-03. Review status: criteria provided, single submitter. Criteria: Ambry Variant Classification Scheme 2023. Collection method: clinical testing. Allele origin: germline.

Labcorp Genetics (formerly Invitae), Labcorp
Classification: Uncertain significance for Tuberous sclerosis 1. Last evaluated: 2020-12-28. Review status: criteria provided, single submitter. Criteria: Invitae Variant Classification Sherloc (09022015). Collection method: clinical testing. Allele origin: germline.
Comment: In summary, the available evidence is currently insufficient to determine the role of this variant in disease. Therefore, it has been classified as a Variant of Uncertain Significance. Algorithms developed to predict the effect of missense changes on protein structure and function output the following: SIFT: "Tolerated"; PolyPhen-2: "Benign"; Align-GVGD: "Class C0". The serine amino acid residue is found in multiple mammalian species, suggesting that this missense change does not adversely affect protein function. These predictions have not been confirmed by published functional studies and their clinical significance is uncertain. This variant has not been reported in the literature in individuals with TSC1-related conditions. This variant is not present in population databases (ExAC no frequency). This sequence change replaces glycine with serine at codon 20 of the TSC1 protein (p.Gly20Ser). The glycine residue is weakly conserved and there is a small physicochemical difference between glycine and serine.

NM_000368.5(TSC1):c.58G>A (p.Gly20Ser)

Gene: TSC1 (TSC complex subunit 1; minus strand). Cytogenetic location: 9q34.13.
Variant type: single nucleotide variant.
Coding change: c.58G>A on transcript NM_000368.5 (MANE Select); coding-DNA position 58, G replaced by A.
Protein change: p.Gly20Ser; replaces glycine 20 with serine.
Molecular consequence: missense variant. On other transcripts: 5 prime UTR variant (1).
Genome position (GRCh38, 1-based): chr9:132,928,815, C>T on the plus strand (G>A on the coding strand, the complement: TSC1 is on the minus strand). VCF-style: chr9-132928815-C-T. GRCh37 (hg19) VCF-style: chr9-135804202-C-T.
Other names: c.58G>A, p.Gly20Ser (NM_001162426.2, NM_001162427.2); c.-202G>A (NM_001362177.2); short protein forms G20S.
Identifiers: ClinVar variation 1059094 (VCV001059094.11), dbSNP rs2132295199, ClinGen allele CA375375356.